The following is an entry in ClinVar:

ClinVar aggregate classification (germline): Uncertain significance (1 of 4 stars; one submission).

Submission:

GeneDx
Classification: Uncertain significance. Last evaluated: 2024-12-10. Review status: criteria provided, single submitter. Criteria: GeneDx Variant Classification Process June 2021. Collection method: clinical testing. Allele origin: germline. Affected: yes.
Comment: Not observed at significant frequency in large population cohorts (gnomAD); In silico analysis supports that this missense variant has a deleterious effect on protein structure/function; Has not been previously published as pathogenic or benign to our knowledge

NM_001037333.3(CYFIP2):c.1928T>C (p.Met643Thr)

Gene: CYFIP2 (cytoplasmic FMR1 interacting protein 2; plus strand). Cytogenetic location: 5q33.3.
Variant type: single nucleotide variant.
Coding change: c.1928T>C on transcript NM_001037333.3 (MANE Select); coding-DNA position 1928, T replaced by C.
Protein change: p.Met643Thr; replaces methionine 643 with threonine.
Molecular consequence: missense variant.
Genome position (GRCh38, 1-based): chr5:157,325,584, T>C. VCF-style: chr5-157325584-T-C. GRCh37 (hg19) VCF-style: chr5-156752592-T-C.
Other names: c.1850T>C, p.Met617Thr (NM_001291721.2); c.2003T>C, p.Met668Thr (NM_001291722.2); c.1928T>C, p.Met643Thr (NM_014376.4); short protein forms M617T, M643T, M668T.
Identifiers: ClinVar variation 3903024 (VCV003903024.1).
Genomic context (GRCh38, chr5:157,325,584, plus strand): 5'-GAGAATTCTTCCTGGAGTTAACCATGGGCCGACGAATCCAGTTCCCCATCGAGATGTCCA[T>C]GCCCTGGATTCTAACGGACCATATCCTGGAAACCAAAGAACCTTCCATGATGGAGTAAGA-3'
Protein context (NP_001032410.1, residues 633-653): RRIQFPIEMS[Met643Thr]PWILTDHILE